The following is an entry in ClinVar:

NM_003978.5(PSTPIP1):c.994G>A (p.Glu332Lys)

Gene: PSTPIP1 (proline-serine-threonine phosphatase interacting protein 1; plus strand). Cytogenetic location: 15q24.3.
Variant type: single nucleotide variant.
Coding change: c.994G>A on transcript NM_003978.5 (MANE Select); coding-DNA position 994, G replaced by A.
Protein change: p.Glu332Lys; replaces glutamic acid 332 with lysine.
Molecular consequence: missense variant. On other transcripts: non-coding transcript variant (1).
Genome position (GRCh38, 1-based): chr15:77,035,810, G>A. VCF-style: chr15-77035810-G-A. GRCh37 (hg19) VCF-style: chr15-77328151-G-A.
Other names: c.937G>A, p.Glu313Lys (NM_001321135.2); c.967G>A, p.Glu323Lys (NM_001321136.2); c.1189G>A, p.Glu397Lys (NM_001321137.1); short protein forms E323K, E332K, E313K, E397K.
Identifiers: ClinVar variation 856009 (VCV000856009.9), dbSNP rs751889307, ClinGen allele CA7676129.

ClinVar aggregate classification (germline): Uncertain significance (1 of 4 stars; one submission).

Conditions:
Pyogenic arthritis-pyoderma gangrenosum-acne syndrome (PAPA). Also called: FAMILIAL RECURRENT ARTHRITIS; PAPA SYNDROME. Identifiers: Orphanet 69126, MedGen C1858361, MONDO:0011462, OMIM 604416.

Allele frequency attached by ClinVar (database versions not stated): gnomAD exomes below 0.00001; ExAC 0.00001; gnomAD 0.00001; TOPMed 0.00001.
gnomAD v4.1: 8 of 1,607,694 alleles (0.0005%); highest among the groups gnomAD compares: East Asian, 0.0022%; no homozygotes.

Submission:

Labcorp Genetics (formerly Invitae), Labcorp
Classification: Uncertain significance for Pyogenic arthritis-pyoderma gangrenosum-acne syndrome. Last evaluated: 2024-10-18. Review status: criteria provided, single submitter. Criteria: Invitae Variant Classification Sherloc (09022015). Collection method: clinical testing. Allele origin: germline.
Comment: This sequence change replaces glutamic acid, which is acidic and polar, with lysine, which is basic and polar, at codon 332 of the PSTPIP1 protein (p.Glu332Lys). This variant is present in population databases (rs751889307, gnomAD 0.003%). This variant has not been reported in the literature in individuals affected with PSTPIP1-related conditions. ClinVar contains an entry for this variant (Variation ID: 856009). An algorithm developed to predict the effect of missense changes on protein structure and function (PolyPhen-2) suggests that this variant is likely to be tolerated. Algorithms developed to predict the effect of sequence changes on RNA splicing suggest that this variant may disrupt the consensus splice site. In summary, the available evidence is currently insufficient to determine the role of this variant in disease. Therefore, it has been classified as a Variant of Uncertain Significance.